The following is an entry in ClinVar:

NM_024735.5(FBXO31):c.1133G>A (p.Arg378His)

Gene: FBXO31 (F-box protein 31; minus strand). Cytogenetic location: 16q24.2.
Variant type: single nucleotide variant.
Coding change: c.1133G>A on transcript NM_024735.5 (MANE Select); coding-DNA position 1133, G replaced by A.
Protein change: p.Arg378His; replaces arginine 378 with histidine.
Molecular consequence: missense variant.
Genome position (GRCh38, 1-based): chr16:87,334,150, C>T on the plus strand (G>A on the coding strand, the complement: FBXO31 is on the minus strand). VCF-style: chr16-87334150-C-T. GRCh37 (hg19) VCF-style: chr16-87367756-C-T.
Other names: c.617G>A, p.Arg206His (NM_001282683.2); short protein forms R206H, R378H.
Identifiers: ClinVar variation 2631976 (VCV002631976.1), dbSNP rs773284363, ClinGen allele CA8218987.

ClinVar aggregate classification (germline): Uncertain significance (1 of 4 stars; one submission).

Conditions:
FBXO31-related disorder. Also called: FBXO31-related condition.

Allele frequency attached by ClinVar (database versions not stated): gnomAD 0.00001; ExAC 0.00002; gnomAD exomes 0.00002; TOPMed 0.00003.
gnomAD v4.1: 22 of 1,612,180 alleles (0.0014%); highest among the groups gnomAD compares: East Asian, 0.0022%; no homozygotes.

Submission:

PreventionGenetics, part of Exact Sciences
Classification: Uncertain significance for FBXO31-related condition. Last evaluated: 2023-04-28. Review status: criteria provided, single submitter. Criteria: ACMG Guidelines, 2015. Collection method: clinical testing. Allele origin: germline.
Comment: The FBXO31 c.1133G>A variant is predicted to result in the amino acid substitution p.Arg378His. To our knowledge, this variant has not been reported in the literature. This variant is reported in 0.0055% of alleles in individuals of East Asian descent in gnomAD. At this time, the clinical significance of this variant is uncertain due to the absence of conclusive functional and genetic evidence.